The following is an entry in ClinVar:

NM_001130009.3(GEN1):c.847A>G (p.Ser283Gly)

Gene: GEN1 (GEN1 Holliday junction 5' flap endonuclease; plus strand). Cytogenetic location: 2p24.2.
Variant type: single nucleotide variant.
Coding change: c.847A>G on transcript NM_001130009.3 (MANE Select); coding-DNA position 847, A replaced by G.
Protein change: p.Ser283Gly; replaces serine 283 with glycine.
Molecular consequence: missense variant.
Genome position (GRCh38, 1-based): chr2:17,772,678, A>G. VCF-style: chr2-17772678-A-G. GRCh37 (hg19) VCF-style: chr2-17953945-A-G.
Other names: c.847A>G, p.Ser283Gly (NM_182625.5); short protein forms S283G.
Identifiers: ClinVar variation 4263005 (VCV004263005.1).
Genomic context (GRCh38, chr2:17,772,678, plus strand): 5'-TTGGGTCTCCATAAAGGTTCACCTAAGGATCATGAACGTAATGGATGCAGATTATGTAAA[A>G]GTGATAAATATTGTGAGCCACATGACTATGAATACTGCTGTCCTTGTGAGTGGCACCGTA-3'
Protein context (NP_001123481.3, residues 273-293): HERNGCRLCK[Ser283Gly]DKYCEPHDYE

ClinVar aggregate classification (germline): Uncertain significance (1 of 4 stars; one submission).

gnomAD v4.1: 1 of 1,612,226 alleles (0.000062%); highest among the groups gnomAD compares: South Asian, 0.0011%; no homozygotes.

Submission:

Ambry Genetics
Classification: Uncertain significance. Last evaluated: 2025-07-02. Review status: criteria provided, single submitter. Criteria: Ambry Variant Classification Scheme 2023. Collection method: clinical testing. Allele origin: germline.
Comment: The p.S283G variant (also known as c.847A>G), located in coding exon 7 of the GEN1 gene, results from an A to G substitution at nucleotide position 847. The serine at codon 283 is replaced by glycine, an amino acid with similar properties. This amino acid position is conserved. In addition, this alteration is predicted to be tolerated by in silico analysis. Based on the available evidence, the clinical significance of this variant remains unclear.